The following is an entry in ClinVar:

ClinVar aggregate classification (germline): Likely benign (1 of 4 stars; one submission).

Allele frequency attached by ClinVar (database versions not stated): 1000 Genomes Project 0.00140; 1000 Genomes Project 30x 0.00156; gnomAD 0.00299.

Submission:

CeGaT Center for Human Genetics Tuebingen
Classification: Likely benign. Last evaluated: 2022-11-01. Review status: criteria provided, single submitter. Criteria: CeGaT Center For Human Genetics Tuebingen Variant Classification Criteria Version 2. Collection method: clinical testing. Allele origin: germline. Affected: yes. Observed: 1 variant allele.
Comment: GSTT2B: BS2

NC_000022.11:g.23941094C>T

Gene: GSTT2B (glutathione S-transferase theta 2B; minus strand). Cytogenetic location: 22q11.23.
Variant type: single nucleotide variant.
Molecular consequence: non-coding transcript variant (on NR_171772.1).
Genome position: GRCh38 VCF-style: chr22-23941094-C-T. GRCh37 (hg19) VCF-style: chr22-24283281-C-T.
Identifiers: ClinVar variation 2652977 (VCV002652977.24), dbSNP rs545554285, ClinGen allele CA322615607.